The following is an entry in ClinVar:

NM_024675.4(PALB2):c.1635A>C (p.Glu545Asp)

Gene: PALB2 (partner and localizer of BRCA2; minus strand). Cytogenetic location: 16p12.2.
Variant type: single nucleotide variant.
Coding change: c.1635A>C on transcript NM_024675.4 (MANE Select); coding-DNA position 1635, A replaced by C.
Protein change: p.Glu545Asp; replaces glutamic acid 545 with aspartic acid.
Molecular consequence: missense variant.
Genome position (GRCh38, 1-based): chr16:23,634,911, T>G on the plus strand (A>C on the coding strand, the complement: PALB2 is on the minus strand). VCF-style: chr16-23634911-T-G. GRCh37 (hg19) VCF-style: chr16-23646232-T-G.
Other names: short protein forms E545D.
Identifiers: ClinVar variation 819651 (VCV000819651.5), dbSNP rs1597095388, ClinGen allele CA395130224.
Genomic context (GRCh38, chr16:23,634,911, plus strand): 5'-TCTTGATTTACCTTTCACTTGAATAAATAATTTTTCGTGCTGATATTTGTGTGAGGTGAC[T>G]TCTTCCTTGGACCTGTTAACAATCGACAGGCTAGAAGTTGGCAAAAGTGGTTCACAATGA-3'
Protein context (NP_078951.2, residues 535-555): SLSIVNRSKE[Glu545Asp]VTSHKYQHEK

ClinVar aggregate classification (germline): Uncertain significance. Review status: criteria provided, multiple submitters, no conflicts (2 of 4 stars). 2 submissions from 2 submitters: Uncertain significance (2). Last evaluated 2022-06-02.

Conditions:
Familial pancreatic carcinoma. Identifiers: Orphanet 1333, MedGen C2931038, MONDO:0015278, OMIM 260350.
Hereditary cancer-predisposing syndrome. Also called: Neoplastic Syndromes, Hereditary; Tumor predisposition; Hereditary Cancer Syndrome; Hereditary neoplastic syndrome. Identifiers: Orphanet 140162, MedGen C0027672, MeSH D009386, MONDO:0015356.

Submissions (2):

Department of Pathology and Laboratory Medicine, Sinai Health System
Classification: Uncertain significance for Familial pancreatic carcinoma. Last evaluated: 2022-06-02. Review status: criteria provided, single submitter. Criteria: ACMG Guidelines, 2015. Collection method: clinical testing. Allele origin: germline. Affected: yes.

Ambry Genetics
Classification: Uncertain significance for Hereditary cancer-predisposing syndrome. Last evaluated: 2018-02-27. Review status: criteria provided, single submitter. Criteria: Ambry Variant Classification Scheme 2023. Collection method: clinical testing. Allele origin: germline.
Comment: The p.E545D variant (also known as c.1635A>C), located in coding exon 4 of the PALB2 gene, results from an A to C substitution at nucleotide position 1635. The glutamic acid at codon 545 is replaced by aspartic acid, an amino acid with highly similar properties. This amino acid position is poorly conserved in available vertebrate species. In addition, this alteration is predicted to be tolerated by in silico analysis. Since supporting evidence is limited at this time, the clinical significance of this alteration remains unclear.